The following is an entry in ClinVar:

NC_000016.9:g.(?_88884395)_(88884552_?)del

Gene: GALNS (galactosamine (N-acetyl)-6-sulfatase; minus strand). Cytogenetic location: 16q24.3.
Variant type: Deletion.
Identifiers: ClinVar variation 1067960 (VCV001067960.7).

ClinVar aggregate classification (germline): Likely pathogenic (1 of 4 stars; one submission).

Conditions:
Mucopolysaccharidosis, MPS-IV-A (MPS4A). Also called: Mucopolysaccharidosis type IV A; Mucopolysaccharidosis Type IVA; Morquio syndrome A, mild; MORQUIO SYNDROME A; MPS IVA; mucopolysaccharidosis type 4A. Identifiers: Orphanet 309297, Orphanet 582, MedGen C0086651, MONDO:0009659, OMIM 253000.

Submission:

Labcorp Genetics (formerly Invitae), Labcorp
Classification: Likely pathogenic for Mucopolysaccharidosis, MPS-IV-A. Last evaluated: 2020-09-24. Review status: criteria provided, single submitter. Criteria: Invitae Variant Classification Sherloc (09022015). Collection method: clinical testing. Allele origin: germline.
Comment: In summary, the currently available evidence indicates that the variant is pathogenic, but additional data are needed to prove that conclusively. Therefore, this variant has been classified as Likely Pathogenic. This variant disrupts the p.Met494 amino acid residue in GALNS. Other variant(s) that disrupt this residue have been determined to be pathogenic (PMID: 23876334, 9298823, Invitae). This suggests that this residue is clinically significant, and that variants that disrupt this residue are likely to be disease-causing. This variant has not been reported in the literature in individuals with GALNS-related conditions. This variant is a gross deletion of the genomic region encompassing exon(s) 13 of the GALNS gene. While this deletion is not anticipated to result in nonsense mediated decay, it is expected to create a truncated protein product.

Literature cited by the submitters: PubMed 23876334; PubMed 9298823.